The following is an entry in ClinVar:

NM_015202.5(KATNIP):c.4090G>A (p.Val1364Met)

Genes: KATNIP (katanin interacting protein; plus strand), LOC126862323 (P300/CBP strongly-dependent group 1 enhancer GRCh37_chr16:27780758-27781957; plus strand). Cytogenetic location: 16p12.1.
Variant type: single nucleotide variant.
Coding change: c.4090G>A on transcript NM_015202.5 (MANE Select); coding-DNA position 4090, G replaced by A.
Protein change: p.Val1364Met; replaces valine 1364 with methionine.
Molecular consequence: missense variant.
Genome position (GRCh38, 1-based): chr16:27,769,975, G>A. VCF-style: chr16-27769975-G-A. GRCh37 (hg19) VCF-style: chr16-27781296-G-A.
Other names: c.4090G>A (NM_015202.2); short protein forms V1364M.
Identifiers: ClinVar variation 2064490 (VCV002064490.2), dbSNP rs773458630, ClinGen allele CA7978487.

ClinVar aggregate classification (germline): Uncertain significance. Review status: criteria provided, multiple submitters, no conflicts (2 of 4 stars). 2 submissions from 2 submitters: Uncertain significance (2). Last evaluated 2022-10-21.

Allele frequency attached by ClinVar (database versions not stated): TOPMed 0.00002.
gnomAD v4.1: 64 of 1,614,094 alleles (0.004%); highest among the groups gnomAD compares: East Asian, 0.0067%; no homozygotes.

Submissions (2):

Labcorp Genetics (formerly Invitae), Labcorp
Classification: Uncertain significance. Last evaluated: 2022-10-21. Review status: criteria provided, single submitter. Criteria: Invitae Variant Classification Sherloc (09022015). Collection method: clinical testing. Allele origin: germline.
Comment: This sequence change replaces valine, which is neutral and non-polar, with methionine, which is neutral and non-polar, at codon 1364 of the KIAA0556 protein (p.Val1364Met). This variant is present in population databases (rs773458630, gnomAD 0.008%). This variant has not been reported in the literature in individuals affected with KIAA0556-related conditions. Algorithms developed to predict the effect of missense changes on protein structure and function are either unavailable or do not agree on the potential impact of this missense change (SIFT: "Deleterious"; PolyPhen-2: "Possibly Damaging"; Align-GVGD: "Class C0"). In summary, the available evidence is currently insufficient to determine the role of this variant in disease. Therefore, it has been classified as a Variant of Uncertain Significance.

Ambry Genetics
Classification: Uncertain significance. Last evaluated: 2022-04-27. Review status: criteria provided, single submitter. Criteria: Ambry Variant Classification Scheme 2023. Collection method: clinical testing. Allele origin: germline.